The following is an entry in ClinVar:

ClinVar aggregate classification (germline): Uncertain significance. Review status: criteria provided, multiple submitters, no conflicts (2 of 4 stars). 2 submissions from 2 submitters: Uncertain significance (2). Last evaluated 2023-10-22.

Conditions:
Developmental and epileptic encephalopathy, 42 (DEE42A). Also called: DEVELOPMENTAL AND EPILEPTIC ENCEPHALOPATHY 42A; EPILEPTIC ENCEPHALOPATHY, EARLY INFANTILE, 42A; Epileptic encephalopathy, early infantile, 42. Identifiers: MedGen C4310716, MONDO:0014917, OMIM 617106.
Episodic ataxia type 2 (EA2). Also called: ACETAZOLAMIDE-RESPONSIVE HEREDITARY PAROXYSMAL CEREBELLAR ATAXIA; CEREBELLAR ATAXIA, PAROXYSMAL, ACETAZOLAMIDE-RESPONSIVE; CEREBELLOPATHY, HEREDITARY PAROXYSMAL; EPISODIC ATAXIA, NYSTAGMUS-ASSOCIATED; ATAXIA, EPISODIC, WITH NYSTAGMUS; ATAXIA, FAMILIAL PAROXYSMAL. Identifiers: Orphanet 97, MedGen C1720416, MONDO:0007163, OMIM 108500.

Allele frequency attached by ClinVar (database versions not stated): gnomAD exomes 0.00001; TOPMed 0.00003.
gnomAD v4.1: 10 of 1,562,912 alleles (0.00064%); highest among the groups gnomAD compares: African/African-American, 0.0027%; no homozygotes.

Submissions (2):

Labcorp Genetics (formerly Invitae), Labcorp
Classification: Uncertain significance for Developmental and epileptic encephalopathy, 42; Episodic ataxia type 2. Last evaluated: 2023-10-22. Review status: criteria provided, single submitter. Criteria: Invitae Variant Classification Sherloc (09022015). Collection method: clinical testing. Allele origin: germline.
Comment: This sequence change falls in intron 43 of the CACNA1A gene. It does not directly change the encoded amino acid sequence of the CACNA1A protein. It affects a nucleotide within the consensus splice site. The frequency data for this variant in the population databases is considered unreliable, as metrics indicate poor data quality at this position in the gnomAD database. This variant has not been reported in the literature in individuals affected with CACNA1A-related conditions. ClinVar contains an entry for this variant (Variation ID: 1690741). Variants that disrupt the consensus splice site are a relatively common cause of aberrant splicing (PMID: 17576681, 9536098). Algorithms developed to predict the effect of sequence changes on RNA splicing suggest that this variant is not likely to affect RNA splicing. In summary, the available evidence is currently insufficient to determine the role of this variant in disease. Therefore, it has been classified as a Variant of Uncertain Significance.

Laboratorio de Genetica e Diagnostico Molecular, Hospital Israelita Albert Einstein
Classification: Uncertain significance. Last evaluated: 2019-12-17. Review status: criteria provided, single submitter. Criteria: ACMG Guidelines, 2015. Collection method: clinical testing. Allele origin: germline. Affected: yes.
Comment: ACMG classification criteria: PM2, BP4

Literature cited by the submitters: PubMed 17576681 (cited by Labcorp Genetics (formerly Invitae), Labcorp); PubMed 9536098 (cited by Labcorp Genetics (formerly Invitae), Labcorp).

NM_001127222.2(CACNA1A):c.6304-3C>T

Gene: CACNA1A (calcium voltage-gated channel subunit alpha1 A; minus strand). Cytogenetic location: 19p13.13.
Variant type: single nucleotide variant.
Coding change: c.6304-3C>T on transcript NM_001127222.2 (MANE Select); 3 bases into the intron before coding-DNA position 6304, C replaced by T.
Molecular consequence: intron variant.
Genome position (GRCh38, 1-based): chr19:13,210,655, G>A on the plus strand (C>T on the coding strand, the complement: CACNA1A is on the minus strand). VCF-style: chr19-13210655-G-A. GRCh37 (hg19) VCF-style: chr19-13321469-G-A.
Other names: c.6307-3C>T (NM_001127221.2); c.6313-3C>T (NM_001174080.2); c.6322-3C>T (NM_000068.4, NM_023035.3).
Identifiers: ClinVar variation 1690741 (VCV001690741.5), dbSNP rs1354563230, ClinGen allele CA631865644.